The following is an entry in ClinVar:

NM_020884.7(MYH7B):c.2795G>A (p.Arg932Gln)

Gene: MYH7B (myosin heavy chain 7B; plus strand). Cytogenetic location: 20q11.22.
Variant type: single nucleotide variant.
Coding change: c.2795G>A on transcript NM_020884.7 (MANE Select); coding-DNA position 2795, G replaced by A.
Protein change: p.Arg932Gln; replaces arginine 932 with glutamine.
Molecular consequence: missense variant.
Genome position (GRCh38, 1-based): chr20:34,995,430, G>A. VCF-style: chr20-34995430-G-A. GRCh37 (hg19) VCF-style: chr20-33583233-G-A.
Other names: short protein forms R932Q.
Identifiers: ClinVar variation 1405880 (VCV001405880.6), dbSNP rs772131421, ClinGen allele CA9827500.

ClinVar aggregate classification (germline): Uncertain significance (1 of 4 stars; one submission).

Allele frequency attached by ClinVar (database versions not stated): ExAC 0.00004; gnomAD exomes 0.00004 and 0.00010; gnomAD 0.00010; TOPMed 0.00010.
gnomAD v4.1: 80 of 1,613,710 alleles (0.005%); highest among the groups gnomAD compares: Admixed American, 0.043%; no homozygotes.

Submission:

Labcorp Genetics (formerly Invitae), Labcorp
Classification: Uncertain significance. Last evaluated: 2025-03-10. Review status: criteria provided, single submitter. Criteria: Invitae Variant Classification Sherloc (09022015). Collection method: clinical testing. Allele origin: germline.
Comment: This sequence change replaces arginine, which is basic and polar, with glutamine, which is neutral and polar, at codon 974 of the MYH7B protein (p.Arg974Gln). This variant is present in population databases (rs772131421, gnomAD 0.04%). This variant has not been reported in the literature in individuals affected with MYH7B-related conditions. ClinVar contains an entry for this variant (Variation ID: 1405880). Invitae Evidence Modeling of protein sequence and biophysical properties (such as structural, functional, and spatial information, amino acid conservation, physicochemical variation, residue mobility, and thermodynamic stability) indicates that this missense variant is not expected to disrupt MYH7B protein function with a negative predictive value of 80%. In summary, the available evidence is currently insufficient to determine the role of this variant in disease. Therefore, it has been classified as a Variant of Uncertain Significance.